The following is an entry in ClinVar:

NM_004304.5(ALK):c.673A>G (p.Ser225Gly)

Gene: ALK (ALK receptor tyrosine kinase; minus strand). Cytogenetic location: 2p23.2.
Variant type: single nucleotide variant.
Coding change: c.673A>G on transcript NM_004304.5 (MANE Select); coding-DNA position 673, A replaced by G.
Protein change: p.Ser225Gly; replaces serine 225 with glycine.
Molecular consequence: missense variant.
Genome position (GRCh38, 1-based): chr2:29,717,692, T>C on the plus strand (A>G on the coding strand, the complement: ALK is on the minus strand). VCF-style: chr2-29717692-T-C. GRCh37 (hg19) VCF-style: chr2-29940558-T-C.
Other names: short protein forms S225G.
Identifiers: ClinVar variation 663615 (VCV000663615.13), dbSNP rs1456830388, ClinGen allele CA346587848.

ClinVar aggregate classification (germline): Uncertain significance. Review status: criteria provided, multiple submitters, no conflicts (2 of 4 stars). 2 submissions from 2 submitters: Uncertain significance (2). Last evaluated 2025-10-10.

Conditions:
Hereditary cancer-predisposing syndrome. Also called: Neoplastic Syndromes, Hereditary; Hereditary neoplastic syndrome; Tumor predisposition; Hereditary Cancer Syndrome. Identifiers: Orphanet 140162, MedGen C0027672, MeSH D009386, MONDO:0015356.
Neuroblastoma, susceptibility to, 3. Also called: ALK-Related Neuroblastic Tumor Susceptibility. Identifiers: Orphanet 635, MedGen C2751681, MONDO:0013083, OMIM 613014.

Allele frequency attached by ClinVar (database versions not stated): gnomAD exomes below 0.00001.
gnomAD v4.1: 1 of 1,614,178 alleles (0.000062%); highest among the groups gnomAD compares: Non-Finnish European, 0.000085%; no homozygotes.

Submissions (2):

Ambry Genetics
Classification: Uncertain significance for Hereditary cancer-predisposing syndrome. Last evaluated: 2025-10-10. Review status: criteria provided, single submitter. Criteria: Ambry Variant Classification Scheme 2023. Collection method: clinical testing. Allele origin: germline.
Comment: The p.S225G variant (also known as c.673A>G), located in coding exon 2 of the ALK gene, results from an A to G substitution at nucleotide position 673. The serine at codon 225 is replaced by glycine, an amino acid with similar properties. This amino acid position is conserved. In addition, this alteration is predicted to be tolerated by in silico analysis. Since supporting evidence is limited at this time, the clinical significance of this alteration remains unclear.

Labcorp Genetics (formerly Invitae), Labcorp
Classification: Uncertain significance for Neuroblastoma, susceptibility to, 3. Last evaluated: 2020-10-05. Review status: criteria provided, single submitter. Criteria: Invitae Variant Classification Sherloc (09022015). Collection method: clinical testing. Allele origin: germline.
Comment: In summary, the available evidence is currently insufficient to determine the role of this variant in disease. Therefore, it has been classified as a Variant of Uncertain Significance. Algorithms developed to predict the effect of missense changes on protein structure and function output the following: SIFT: "Deleterious"; PolyPhen-2: "Benign"; Align-GVGD: "Class C0". The glycine amino acid residue is found in multiple mammalian species, suggesting that this missense change does not adversely affect protein function. These predictions have not been confirmed by published functional studies and their clinical significance is uncertain. This variant has not been reported in the literature in individuals with ALK-related disease. This variant is not present in population databases (ExAC no frequency). This sequence change replaces serine with glycine at codon 225 of the ALK protein (p.Ser225Gly). The serine residue is moderately conserved and there is a small physicochemical difference between serine and glycine.